The following is an entry in ClinVar:

NM_000202.8(IDS):c.1177C>G (p.Pro393Ala)

Genes: IDS (iduronate 2-sulfatase; minus strand), LOC106050102 (IDS recombination region; plus strand). Cytogenetic location: Xq28.
Variant type: single nucleotide variant.
Coding change: c.1177C>G on transcript NM_000202.8 (MANE Select); coding-DNA position 1177, C replaced by G.
Protein change: p.Pro393Ala; replaces proline 393 with alanine.
Molecular consequence: missense variant.
Genome position (GRCh38, 1-based): chrX:149,486,928, G>C on the plus strand (C>G on the coding strand, the complement: IDS is on the minus strand). VCF-style: chrX-149486928-G-C. GRCh37 (hg19) VCF-style: chrX-148568459-G-C.
Other names: c.907C>G, p.Pro303Ala (NM_001166550.4); short protein forms P303A, P393A.
Identifiers: ClinVar variation 2801291 (VCV002801291.3), dbSNP rs782185756, ClinGen allele CA337035858.
Genomic context (GRCh38, chrX:149,486,928, plus strand): 5'-CATATAAACTAAAGGTGATCTTACTGTCAAGCAATATCATTTCAGCATATTTTATACCTG[G>C]CTCCATCAACTGTGAGGCGGAATCAAAAGGGTCGAGGTAAGGGAAAAGCTTCTCGCCTGC-3'
Protein context (NP_000193.1, residues 383-403): PFDSASQLME[Pro393Ala]GRQSMDLVEL

ClinVar aggregate classification (germline): Uncertain significance (1 of 4 stars; one submission).

Conditions:
Mucopolysaccharidosis, MPS-II (MPS2). Also called: Attenuated MPS (subtype; formerly known as mild MPS II); Severe MPS II; I2S deficiency; MPS 2; Mucopolysaccharidosis with skin involvement; Mucopolysaccharidosis type 2. Identifiers: Orphanet 580, Orphanet 79388, MedGen C0026705, MONDO:0010674, OMIM 309900.

Submission:

Labcorp Genetics (formerly Invitae), Labcorp
Classification: Uncertain significance for Mucopolysaccharidosis, MPS-II. Last evaluated: 2023-12-28. Review status: criteria provided, single submitter. Criteria: Invitae Variant Classification Sherloc (09022015). Collection method: clinical testing. Allele origin: germline.
Comment: This sequence change replaces proline, which is neutral and non-polar, with alanine, which is neutral and non-polar, at codon 393 of the IDS protein (p.Pro393Ala). This variant is not present in population databases (gnomAD no frequency). This variant has not been reported in the literature in individuals affected with IDS-related conditions. Algorithms developed to predict the effect of missense changes on protein structure and function output the following: SIFT: "Not Available"; PolyPhen-2: "Benign"; Align-GVGD: "Not Available". The alanine amino acid residue is found in multiple mammalian species, which suggests that this missense change does not adversely affect protein function. Algorithms developed to predict the effect of sequence changes on RNA splicing suggest that this variant may disrupt the consensus splice site. In summary, the available evidence is currently insufficient to determine the role of this variant in disease. Therefore, it has been classified as a Variant of Uncertain Significance.